The following is an entry in ClinVar:

ClinVar aggregate classification (germline): Uncertain significance (1 of 4 stars; one submission).

Submission:

Quest Diagnostics Nichols Institute San Juan Capistrano
Classification: Uncertain significance. Last evaluated: 2025-03-13. Review status: criteria provided, single submitter. Criteria: Quest Diagnostics criteria. Collection method: clinical testing. Allele origin: unknown.
Comment: The APOB c.680T>A (p.Leu227His) variant has not been reported in individuals with APOB-related conditions in the published literature. It also has not been reported in large, multi-ethnic general populations (Genome Aggregation Database). Analysis of this variant using bioinformatics tools for the prediction of the effect of amino acid changes on protein structure and function yielded conflicting predictions that this variant is benign or damaging. Based on the available information, we are unable to determine the clinical significance of this variant.

NM_000384.3(APOB):c.680T>A (p.Leu227His)

Gene: APOB (apolipoprotein B; minus strand). Cytogenetic location: 2p24.1.
Variant type: single nucleotide variant.
Coding change: c.680T>A on transcript NM_000384.3 (MANE Select); coding-DNA position 680, T replaced by A.
Protein change: p.Leu227His; replaces leucine 227 with histidine.
Molecular consequence: missense variant.
Genome position (GRCh38, 1-based): chr2:21,037,113, A>T on the plus strand (T>A on the coding strand, the complement: APOB is on the minus strand). VCF-style: chr2-21037113-A-T. GRCh37 (hg19) VCF-style: chr2-21259985-A-T.
Other names: short protein forms L227H.
Identifiers: ClinVar variation 4532938 (VCV004532938.1).